The following is an entry in ClinVar:

ClinVar aggregate classification (germline): Uncertain significance (1 of 4 stars; one submission).

Conditions:
Cognitive impairment - coarse facies - heart defects - obesity - pulmonary involvement - short stature - skeletal dysplasia syndrome. Also called: COGNITIVE IMPAIRMENT, COARSE FACIES, HEART DEFECTS, OBESITY, PULMONARY INVOLVEMENT, SHORT STATURE, AND SKELETAL DYSPLASIA; Chops syndrome; AFF4-Related CHOPS Syndrome. Identifiers: Orphanet 444077, MedGen C4085597, MONDO:0014609, OMIM 616368.

gnomAD v4.1: 4 of 1,613,876 alleles (0.00025%); highest among the groups gnomAD compares: South Asian, 0.0011%; no homozygotes.

Submission:

Labcorp Genetics (formerly Invitae), Labcorp
Classification: Uncertain significance for Cognitive impairment - coarse facies - heart defects - obesity - pulmonary involvement - short stature - skeletal dysplasia syndrome. Last evaluated: 2025-03-14. Review status: criteria provided, single submitter. Criteria: Invitae Variant Classification Sherloc (09022015). Collection method: clinical testing. Allele origin: germline.
Comment: This sequence change replaces serine, which is neutral and polar, with proline, which is neutral and non-polar, at codon 174 of the AFF4 protein (p.Ser174Pro). This variant is present in population databases (rs747072238, gnomAD 0.003%). This variant has not been reported in the literature in individuals affected with AFF4-related conditions. An algorithm developed to predict the effect of missense changes on protein structure and function (PolyPhen-2) suggests that this variant is likely to be disruptive. In summary, the available evidence is currently insufficient to determine the role of this variant in disease. Therefore, it has been classified as a Variant of Uncertain Significance.

NM_014423.4(AFF4):c.520T>C (p.Ser174Pro)

Gene: AFF4 (ALF transcription elongation factor 4; minus strand). Cytogenetic location: 5q31.1.
Variant type: single nucleotide variant.
Coding change: c.520T>C on transcript NM_014423.4 (MANE Select); coding-DNA position 520, T replaced by C.
Protein change: p.Ser174Pro; replaces serine 174 with proline.
Molecular consequence: missense variant.
Genome position (GRCh38, 1-based): chr5:132,934,545, A>G on the plus strand (T>C on the coding strand, the complement: AFF4 is on the minus strand). VCF-style: chr5-132934545-A-G. GRCh37 (hg19) VCF-style: chr5-132270237-A-G.
Other names: short protein forms S174P.
Identifiers: ClinVar variation 4811044 (VCV004811044.1).
Genomic context (GRCh38, chr5:132,934,545, plus strand): 5'-GACTAGAGTTTAATGAAGAAACAGCCTGGGGTTTTCCAGGGCTGGAAGAACGTGATTTGG[A>G]GTGTTCTGATCCATGCTGGCCTTTTTTCCGGCTACTGCTCCCACTATTGTTATATGACTC-3'
Protein context (NP_055238.1, residues 164-184): RKKGQHGSEH[Ser174Pro]KSRSSSPGKP